The following is an entry in ClinVar:

NM_014425.5(INVS):c.2098T>C (p.Ser700Pro)

Gene: INVS (inversin; plus strand). Cytogenetic location: 9q31.1.
Variant type: single nucleotide variant.
Coding change: c.2098T>C on transcript NM_014425.5 (MANE Select); coding-DNA position 2098, T replaced by C.
Protein change: p.Ser700Pro; replaces serine 700 with proline.
Molecular consequence: missense variant.
Genome position (GRCh38, 1-based): chr9:100,292,355, T>C. VCF-style: chr9-100292355-T-C. GRCh37 (hg19) VCF-style: chr9-103054637-T-C.
Other names: c.1810T>C, p.Ser604Pro (NM_001318381.2); c.1120T>C, p.Ser374Pro (NM_001318382.2); short protein forms S604P, S374P, S700P.
Identifiers: ClinVar variation 969726 (VCV000969726.9), dbSNP rs1833645195, ClinGen allele CA374241927.

ClinVar aggregate classification (germline): Uncertain significance (1 of 4 stars; one submission).

Conditions:
Nephronophthisis. Also called: Juvenile Nephronophthisis. Identifiers: Orphanet 655, MedGen C0687120, MONDO:0019005, HP:0000090.

Submission:

Labcorp Genetics (formerly Invitae), Labcorp
Classification: Uncertain significance for Nephronophthisis. Last evaluated: 2019-10-24. Review status: criteria provided, single submitter. Criteria: Invitae Variant Classification Sherloc (09022015). Collection method: clinical testing. Allele origin: germline.
Comment: In summary, the available evidence is currently insufficient to determine the role of this variant in disease. Therefore, it has been classified as a Variant of Uncertain Significance. This variant is not present in population databases (ExAC no frequency). This sequence change replaces serine with proline at codon 700 of the INVS protein (p.Ser700Pro). The serine residue is moderately conserved and there is a moderate physicochemical difference between serine and proline. Algorithms developed to predict the effect of missense changes on protein structure and function output the following: SIFT: "Tolerated"; PolyPhen-2: "Benign"; Align-GVGD: "Class C0". The proline amino acid residue is found in multiple mammalian species, suggesting that this missense change does not adversely affect protein function. These predictions have not been confirmed by published functional studies and their clinical significance is uncertain. This variant has not been reported in the literature in individuals with INVS-related conditions.